The following is an entry in ClinVar:

NM_001184.4(ATR):c.3524T>C (p.Met1175Thr)

Gene: ATR (ATR checkpoint kinase; minus strand). Cytogenetic location: 3q23.
Variant type: single nucleotide variant.
Coding change: c.3524T>C on transcript NM_001184.4 (MANE Select); coding-DNA position 3524, T replaced by C.
Protein change: p.Met1175Thr; replaces methionine 1175 with threonine.
Molecular consequence: missense variant.
Genome position (GRCh38, 1-based): chr3:142,540,961, A>G on the plus strand (T>C on the coding strand, the complement: ATR is on the minus strand). VCF-style: chr3-142540961-A-G. GRCh37 (hg19) VCF-style: chr3-142259803-A-G.
Other names: c.3332T>C, p.Met1111Thr (NM_001354579.2); short protein forms M1111T, M1175T.
Identifiers: ClinVar variation 1437529 (VCV001437529.9), dbSNP rs2108438183, ClinGen allele CA354807814.

ClinVar aggregate classification (germline): Uncertain significance. Review status: criteria provided, multiple submitters, no conflicts (2 of 4 stars). 4 submissions from 3 submitters: Uncertain significance (4). Last evaluated 2024-05-08.

Conditions:
Seckel syndrome 1 (SCKL1). Also called: MICROCEPHALIC PRIMORDIAL DWARFISM I. Identifiers: Orphanet 808, MedGen C4551474, MONDO:0008869, OMIM 210600.
Inborn genetic diseases. Identifiers: MedGen C0950123, MeSH D030342.
Familial cutaneous telangiectasia and oropharyngeal predisposition cancer syndrome. Identifiers: Orphanet 313846, MedGen C3281203, MONDO:0013806, OMIM 614564.

Allele frequency attached by ClinVar (database versions not stated): gnomAD exomes below 0.00001.

Submissions (4):

Ambry Genetics
Classification: Uncertain significance for Inborn genetic diseases. Last evaluated: 2024-05-08. Review status: criteria provided, single submitter. Criteria: Ambry Variant Classification Scheme 2023. Collection method: clinical testing. Allele origin: germline.
Comment: The p.M1175T variant (also known as c.3524T>C), located in coding exon 18 of the ATR gene, results from a T to C substitution at nucleotide position 3524. The methionine at codon 1175 is replaced by threonine, an amino acid with similar properties. This amino acid position is conserved. In addition, this alteration is predicted to be deleterious by in silico analysis. Since supporting evidence is limited at this time, the clinical significance of this alteration remains unclear.

Genome-Nilou Lab
Classification: Uncertain significance for Seckel syndrome 1. Last evaluated: 2023-02-08. Review status: criteria provided, single submitter. Criteria: ACMG Guidelines, 2015. Collection method: clinical testing. Allele origin: germline.

Genome-Nilou Lab
Classification: Uncertain significance for Familial cutaneous telangiectasia and oropharyngeal predisposition cancer syndrome. Last evaluated: 2023-02-08. Review status: criteria provided, single submitter. Criteria: ACMG Guidelines, 2015. Collection method: clinical testing. Allele origin: germline.

Labcorp Genetics (formerly Invitae), Labcorp
Classification: Uncertain significance. Last evaluated: 2021-09-08. Review status: criteria provided, single submitter. Criteria: Invitae Variant Classification Sherloc (09022015). Collection method: clinical testing. Allele origin: germline.
Comment: This sequence change replaces methionine with threonine at codon 1175 of the ATR protein (p.Met1175Thr). The methionine residue is moderately conserved and there is a moderate physicochemical difference between methionine and threonine. This variant is not present in population databases (ExAC no frequency). This variant has not been reported in the literature in individuals affected with ATR-related conditions. Algorithms developed to predict the effect of missense changes on protein structure and function are either unavailable or do not agree on the potential impact of this missense change (SIFT: "Tolerated"; PolyPhen-2: "Probably Damaging"; Align-GVGD: "Class C0"). In summary, the available evidence is currently insufficient to determine the role of this variant in disease. Therefore, it has been classified as a Variant of Uncertain Significance.